The following is an entry in ClinVar:

ClinVar aggregate classification (germline): Uncertain significance (1 of 4 stars; one submission).

gnomAD v4.1: 3 of 1,614,218 alleles (0.00019%); highest among the groups gnomAD compares: Middle Eastern, 0.033%; no homozygotes.

Submission:

Labcorp Genetics (formerly Invitae), Labcorp
Classification: Uncertain significance. Last evaluated: 2022-09-28. Review status: criteria provided, single submitter. Criteria: Invitae Variant Classification Sherloc (09022015). Collection method: clinical testing. Allele origin: germline.
Comment: This sequence change replaces proline, which is neutral and non-polar, with alanine, which is neutral and non-polar, at codon 2441 of the NSD1 protein (p.Pro2441Ala). This variant is not present in population databases (gnomAD no frequency). This variant has not been reported in the literature in individuals affected with NSD1-related conditions. Advanced modeling of protein sequence and biophysical properties (such as structural, functional, and spatial information, amino acid conservation, physicochemical variation, residue mobility, and thermodynamic stability) has been performed at Invitae for this missense variant, however the output from this modeling did not meet the statistical confidence thresholds required to predict the impact of this variant on NSD1 protein function. In summary, the available evidence is currently insufficient to determine the role of this variant in disease. Therefore, it has been classified as a Variant of Uncertain Significance.

NM_022455.5(NSD1):c.7321C>G (p.Pro2441Ala)

Gene: NSD1 (nuclear receptor binding SET domain protein 1; plus strand). Cytogenetic location: 5q35.3.
Variant type: single nucleotide variant.
Coding change: c.7321C>G on transcript NM_022455.5 (MANE Select); coding-DNA position 7321, C replaced by G.
Protein change: p.Pro2441Ala; replaces proline 2441 with alanine.
Molecular consequence: missense variant.
Genome position (GRCh38, 1-based): chr5:177,294,689, C>G. VCF-style: chr5-177294689-C-G. GRCh37 (hg19) VCF-style: chr5-176721690-C-G.
Other names: c.6448C>G, p.Pro2150Ala (NM_001365684.2, NM_001409308.1, NM_172349.5); c.7321C>G, p.Pro2441Ala (NM_001409301.1, NM_001409302.1, NM_001409303.1); c.6901C>G, p.Pro2301Ala (NM_001409304.1); c.6568C>G, p.Pro2190Ala (NM_001409305.1); c.6559C>G, p.Pro2187Ala (NM_001409306.1, NM_001409307.1); c.6199C>G, p.Pro2067Ala (NM_001409309.1); short protein forms P2150A, P2441A, P2067A, P2172A, P2301A, P2187A, P2190A.
Identifiers: ClinVar variation 1960736 (VCV001960736.5), dbSNP rs1249673539, ClinGen allele CA362329425.